The following is an entry in ClinVar:

ClinVar aggregate classification (germline): Uncertain significance (1 of 4 stars; one submission).

Allele frequency attached by ClinVar (database versions not stated): gnomAD exomes 0.00001; gnomAD 0.00004; TOPMed 0.00004.
gnomAD v4.1: 10 of 1,536,098 alleles (0.00065%); highest among the groups gnomAD compares: African/African-American, 0.012%; no homozygotes.

Submission:

Labcorp Genetics (formerly Invitae), Labcorp
Classification: Uncertain significance. Last evaluated: 2022-11-14. Review status: criteria provided, single submitter. Criteria: Invitae Variant Classification Sherloc (09022015). Collection method: clinical testing. Allele origin: germline.
Comment: Experimental studies and prediction algorithms are not available or were not evaluated, and the functional significance of this variant is currently unknown. In summary, the available evidence is currently insufficient to determine the role of this variant in disease. Therefore, it has been classified as a Variant of Uncertain Significance. The FMN1 gene has multiple clinically relevant transcripts. This variant occurs in alternate transcript NM_001277314.1, and corresponds to NM_001103184.3:c.-85701C>T in the primary transcript. This sequence change replaces histidine, which is basic and polar, with tyrosine, which is neutral and polar, at codon 444 of the FMN1 protein (p.His444Tyr). This variant is present in population databases (no rsID available, gnomAD 0.03%). This variant has not been reported in the literature in individuals affected with FMN1-related conditions.

NM_001277313.2(FMN1):c.1330C>T (p.His444Tyr)

Gene: FMN1 (formin 1; minus strand). Cytogenetic location: 15q13.3.
Variant type: single nucleotide variant.
Coding change: c.1330C>T on transcript NM_001277313.2 (MANE Select); coding-DNA position 1330, C replaced by T.
Protein change: p.His444Tyr; replaces histidine 444 with tyrosine.
Molecular consequence: missense variant.
Genome position (GRCh38, 1-based): chr15:33,153,585, G>A on the plus strand (C>T on the coding strand, the complement: FMN1 is on the minus strand). VCF-style: chr15-33153585-G-A. GRCh37 (hg19) VCF-style: chr15-33445786-G-A.
Other names: c.1330C>T, p.His444Tyr (NM_001277314.2); short protein forms H444Y.
Identifiers: ClinVar variation 1963546 (VCV001963546.5), dbSNP rs981018218, ClinGen allele CA268811735.